The following is an entry in ClinVar:

ClinVar aggregate classification (germline): Uncertain significance (1 of 4 stars; one submission).

Conditions:
Rhabdoid tumor predisposition syndrome 2 (RTPS2). Identifiers: Orphanet 231108, Orphanet 69077, MedGen C2750074, MONDO:0013224, OMIM 613325.

Submission:

Labcorp Genetics (formerly Invitae), Labcorp
Classification: Uncertain significance for Rhabdoid tumor predisposition syndrome 2. Last evaluated: 2022-01-01. Review status: criteria provided, single submitter. Criteria: Invitae Variant Classification Sherloc (09022015). Collection method: clinical testing. Allele origin: germline.
Comment: In summary, the available evidence is currently insufficient to determine the role of this variant in disease. Therefore, it has been classified as a Variant of Uncertain Significance. Algorithms developed to predict the effect of missense changes on protein structure and function are either unavailable or do not agree on the potential impact of this missense change (SIFT: "Deleterious"; PolyPhen-2: "Possibly Damaging"; Align-GVGD: "Class C0"). This variant has not been reported in the literature in individuals affected with SMARCA4-related conditions. This variant is not present in population databases (gnomAD no frequency). This sequence change replaces lysine, which is basic and polar, with arginine, which is basic and polar, at codon 760 of the SMARCA4 protein (p.Lys760Arg).

NM_003072.5(SMARCA4):c.2279A>G (p.Lys760Arg)

Gene: SMARCA4 (SWI/SNF related BAF chromatin remodeling complex subunit ATPase 4; plus strand). Cytogenetic location: 19p13.2.
Variant type: single nucleotide variant.
Coding change: c.2279A>G on transcript NM_003072.5 (MANE Select); coding-DNA position 2279, A replaced by G.
Protein change: p.Lys760Arg; replaces lysine 760 with arginine.
Molecular consequence: missense variant. On other transcripts: non-coding transcript variant (1).
Genome position (GRCh38, 1-based): chr19:11,012,953, A>G. VCF-style: chr19-11012953-A-G. GRCh37 (hg19) VCF-style: chr19-11123629-A-G.
Other names: c.2279A>G, p.Lys760Arg (NM_001128844.3, NM_001128845.2, NM_001128846.2 and 6 more transcripts); short protein forms K760R.
Identifiers: ClinVar variation 1973150 (VCV001973150.5), dbSNP rs2088998992, ClinGen allele CA404053009.
Genomic context (GRCh38, chr19:11,012,953, plus strand): 5'-CCCTCTGGTGTCCGACCCGGCCTTCAGTCCTGGCGTGGCCGCATCTGTCCTTGCAGATCA[A>G]AGGTTTGGAGTGGCTGGTGTCCCTGTACAACAACAACCTGAACGGCATCCTGGCCGACGA-3'
Protein context (NP_003063.2, residues 750-770): VNGVLKQYQI[Lys760Arg]GLEWLVSLYN